The following is an entry in ClinVar:

NM_177438.3(DICER1):c.4589C>T (p.Pro1530Leu)

Gene: DICER1 (dicer 1, ribonuclease III; minus strand). Cytogenetic location: 14q32.13.
Variant type: single nucleotide variant.
Coding change: c.4589C>T on transcript NM_177438.3 (MANE Select); coding-DNA position 4589, C replaced by T.
Protein change: p.Pro1530Leu; replaces proline 1530 with leucine.
Molecular consequence: missense variant. On other transcripts: non-coding transcript variant (6).
Genome position (GRCh38, 1-based): chr14:95,096,331, G>A on the plus strand (C>T on the coding strand, the complement: DICER1 is on the minus strand). VCF-style: chr14-95096331-G-A. GRCh37 (hg19) VCF-style: chr14-95562668-G-A.
Other names: c.4589C>T, p.Pro1530Leu (NM_001195573.1, NM_001271282.3, NM_001291628.2 and 13 more transcripts); c.4307C>T, p.Pro1436Leu (NM_001395686.1); c.4184C>T, p.Pro1395Leu (NM_001395687.1, NM_001395688.1, NM_001395689.1 and 2 more transcripts); c.4022C>T, p.Pro1341Leu (NM_001395691.1); c.2906C>T, p.Pro969Leu (NM_001395697.1); short protein forms P1395L, P1436L, P969L, P1341L, P1530L.
Identifiers: ClinVar variation 1741686 (VCV001741686.2), dbSNP rs2542494851, ClinGen allele CA390867743.

ClinVar aggregate classification (germline): Uncertain significance (1 of 4 stars; one submission).

Conditions:
Hereditary cancer-predisposing syndrome. Also called: Hereditary Cancer Syndrome; Hereditary neoplastic syndrome; Neoplastic Syndromes, Hereditary; Tumor predisposition. Identifiers: Orphanet 140162, MedGen C0027672, MeSH D009386, MONDO:0015356.

Submission:

Ambry Genetics
Classification: Uncertain significance for Hereditary cancer-predisposing syndrome. Last evaluated: 2020-03-27. Review status: criteria provided, single submitter. Criteria: Ambry Variant Classification Scheme 2023. Collection method: clinical testing. Allele origin: germline.
Comment: The p.P1530L variant (also known as c.4589C>T), located in coding exon 22 of the DICER1 gene, results from a C to T substitution at nucleotide position 4589. The proline at codon 1530 is replaced by leucine, an amino acid with similar properties. This amino acid position is highly conserved in available vertebrate species. In addition, this alteration is predicted to be deleterious by in silico analysis. Since supporting evidence is limited at this time, the clinical significance of this alteration remains unclear.